The following is an entry in ClinVar:

NM_000256.3(MYBPC3):c.3004_3005del (p.Arg1002fs)

Gene: MYBPC3 (myosin binding protein C3; minus strand). Cytogenetic location: 11p11.2.
Variant type: Deletion.
Coding change: c.3004_3005del on transcript NM_000256.3 (MANE Select); coding-DNA positions 3004 to 3005, 2 bases deleted (CG; older notation c.3004_3005delCG).
Protein change: p.Arg1002fs; shifts the reading frame from arginine 1002.
Molecular consequence: frameshift variant.
Genome position (GRCh38, 1-based): chr11:47,333,742-47,333,743, CG deleted on the plus strand (CG on the coding strand, the reverse complement: MYBPC3 is on the minus strand). VCF-style (leftmost placement, unchanged base first): chr11-47333741-CCG-C. GRCh37 (hg19) VCF-style: chr11-47355292-CCG-C.
Other names: short protein forms R1002fs.
Identifiers: ClinVar variation 2773711 (VCV002773711.3), dbSNP rs2495742173, ClinGen allele CA2697548545.

ClinVar aggregate classification (germline): Pathogenic/Likely pathogenic. Review status: criteria provided, multiple submitters, no conflicts (2 of 4 stars). 2 submissions from 2 submitters: Pathogenic (1); Likely pathogenic (1). Last evaluated 2023-05-09.

Conditions:
Cardiomyopathy (CMYO). Also called: Cardiomyopathies. Identifiers: Orphanet 167848, MedGen C0878544, MONDO:0004994, HP:0001638. Inheritance: Various modes of inheritance.
Hypertrophic cardiomyopathy. Also called: HYPERTROPHIC MYOCARDIOPATHY. Identifiers: Orphanet 217569, MedGen C0007194, MeSH D002312, MONDO:0005045, HP:0001639.

Submissions (2):

Color Diagnostics, LLC DBA Color Health
Classification: Pathogenic for Cardiomyopathy. Last evaluated: 2023-05-09. Review status: criteria provided, single submitter. Criteria: ACMG Guidelines, 2015. Collection method: clinical testing. Allele origin: germline.
Comment: This variant deletes 2 nucleotides in exon 29 of the MYBPC3 gene, creating a frameshift and premature translation stop signal. This variant is expected to result in an absent or non-functional protein product. To our knowledge, this variant has not been reported in individuals affected with MYBPC3-related disorders in the literature. This variant has not been identified in the general population by the Genome Aggregation Database (gnomAD). Loss of MYBPC3 function is a known mechanism of disease. Based on the available evidence, this variant is classified as Pathogenic.

All of Us Research Program, National Institutes of Health
Classification: Likely pathogenic for Hypertrophic cardiomyopathy. Last evaluated: 2023-03-17. Review status: criteria provided, single submitter. Criteria: ACMG Guidelines, 2015. Collection method: clinical testing. Allele origin: germline. Inheritance: Autosomal dominant inheritance. Observed: 1 variant allele, 1 heterozygote.
Comment: This variant is predicted to result in loss of protein function through nonsense-mediated or protein truncation. Loss of function is an established mechanism of disease. This prediction has not been confirmed by functional studies. To date, this variant has not been reported in association with human disease in the medical literature. This variant is absent from or rare in large population databases, including the Genome Aggregation Database.

This study involves interpretation of variants in research participants for the purpose of population health screening. Participant phenotype was not available at the time of variant classification. Additional details can be found in publication PMID: 35346344, PMCID: PMC8962531